The following continues an entry in ClinVar:

NM_000059.4(BRCA2):c.658_659del (p.Val220fs)

Gene: BRCA2. ClinVar aggregate classification (germline): Pathogenic. Pathogenic (1).

Submissions 72 to 73 of 73:

Department of Pathology and Laboratory Medicine, Sinai Health System
Classification: Pathogenic for Malignant tumor of breast. Review status: no assertion criteria provided. Collection method: clinical testing. Allele origin: unknown. Affected: yes. Study: The Canadian Open Genetics Repository (COGR). Not counted in ClinVar's aggregate classification.
Comment: The BRCA2 p.Val220Ilefs*4 variant was identified in 19 of 19400 proband chromosomes (frequency: 0.001) from individuals or families with breast or ovarian cancer (Bayraktar 2012, Berzina 2013, Frank 1998, Heidemann 2012, Janavicius 2014, Novakovic 2012). The variant was also identified in the case study in two siblings with Fanconi anemia with biallelic FANCD1/BRCA2 mutations (Svojgr 2016). The variant was also identified in dbSNP (ID: rs80359604) as â€šÃ„ÃºWith Pathogenic alleleâ€šÃ„Ã¹, ClinVar (classified as pathogenic by Invitae, Ambry Genetics, GeneDx and seventeen other submitters), LOVD 3.0 (58X as pathogenic), and in UMD-LSDB (30X as causal). This mutation was found at a high frequency in the Lithuanian population and could represent a Baltic founder mutation (Janavicius 2014).The variant was not identified in the following control databases: the Exome Aggregation Consortium (August 8th 2016), or the Genome Aggregation Database (Feb 27, 2017). The c.658_659del variant is predicted to cause a frameshift, which alters the protein's amino acid sequence beginning at codon 220 and leads to a premature stop codon at position 223. This alteration is then predicted to result in a truncated or absent protein and loss of function. Loss of function variants of the BRCA2 gene are an established mechanism of disease in BRCA associated cancers and is the type of variant expected to cause the disorder. In summary, based on the above information this variant meets our laboratoryâ€šÃ„Ã´s criteria to be classified as pathogenic.

Diagnostic Laboratory, Department of Genetics, University Medical Center Groningen
Classification: Pathogenic for Breast-ovarian cancer, familial, susceptibility to, 2. Review status: no assertion criteria provided. Collection method: clinical testing. Allele origin: germline. Affected: yes. Study: VKGL Data-share Consensus. Not counted in ClinVar's aggregate classification.

Literature cited by the submitters: PubMed 20104584 (cited by Labcorp Genetics (formerly Invitae), Labcorp and GeneKor MSA); PubMed 9667259 (cited by 11 submitters); PubMed 22923021 (cited by 7 submitters); PubMed 23767878 (cited by 11 submitters); PubMed 24504028 (cited by 6 submitters); PubMed 26657402 (cited by 7 submitters); PubMed 16825431 (cited by 6 submitters); PubMed 21568838 (cited by Ambry Genetics); PubMed 26064523 (cited by 5 submitters); PubMed 28324225 (cited by Ambry Genetics and Color Diagnostics, LLC DBA Color Health); PubMed 20301425 (cited by Variantyx, Inc.); PubMed 27153395 (cited by 4 submitters); PubMed 33293522 (cited by Hema, HEMA – Genetic and Molecular Diagnostic Laboratory and Dasa); PubMed 14559878 (cited by 3 submitters); PubMed 14670928 (cited by 6 submitters); PubMed 15516848 (cited by Hema, HEMA – Genetic and Molecular Diagnostic Laboratory); PubMed 15689453 (cited by 5 submitters); PubMed 19530235 (cited by Hema, HEMA – Genetic and Molecular Diagnostic Laboratory); PubMed 25381700 (cited by Hema, HEMA – Genetic and Molecular Diagnostic Laboratory); PubMed 25066507 (cited by 3 submitters); PubMed 29446198 (cited by 4 submitters); PubMed 39488595 (cited by Hema, HEMA – Genetic and Molecular Diagnostic Laboratory and Dasa); PubMed 37895014 (cited by Dasa); PubMed 34567246 (cited by Dasa); PubMed 32438681 (cited by Dasa and Quest Diagnostics Nichols Institute San Juan Capistrano); PubMed 28166811 (cited by Dasa); PubMed 16199546 (cited by Dasa); PubMed 17063271 (cited by Dasa); PubMed 25632310 (cited by Dasa); PubMed 11897832 (cited by All of Us Research Program, National Institutes of Health); PubMed 32571290 (cited by All of Us Research Program, National Institutes of Health); PubMed 32824581 (cited by All of Us Research Program, National Institutes of Health); PubMed 33478551 (cited by 3 submitters); PubMed 33670479 (cited by All of Us Research Program, National Institutes of Health); PubMed 34097676 (cited by All of Us Research Program, National Institutes of Health); PubMed 28724667 (cited by Color Diagnostics, LLC DBA Color Health and Quest Diagnostics Nichols Institute San Juan Capistrano); PubMed 30287823 (cited by Color Diagnostics, LLC DBA Color Health and Quest Diagnostics Nichols Institute San Juan Capistrano); PubMed 22798144 (cited by Quest Diagnostics Nichols Institute San Juan Capistrano and Women's Health and Genetics/Laboratory Corporation of America, LabCorp); PubMed 31112363 (cited by Quest Diagnostics Nichols Institute San Juan Capistrano and Sema4); PubMed 32098980 (cited by Quest Diagnostics Nichols Institute San Juan Capistrano and Sema4); PubMed 32875559 (cited by Quest Diagnostics Nichols Institute San Juan Capistrano and Sema4); PubMed 33471991 (cited by Quest Diagnostics Nichols Institute San Juan Capistrano); PubMed 35220195 (cited by Quest Diagnostics Nichols Institute San Juan Capistrano); PubMed 22535016 (cited by Quest Diagnostics Nichols Institute San Juan Capistrano and Counsyl); PubMed 26026974 (cited by Quest Diagnostics Nichols Institute San Juan Capistrano); PubMed 26681312 (cited by Quest Diagnostics Nichols Institute San Juan Capistrano); PubMed 26689913 (cited by Quest Diagnostics Nichols Institute San Juan Capistrano); PubMed 27741520 (cited by Quest Diagnostics Nichols Institute San Juan Capistrano and Sema4); PubMed 27831900 (cited by Quest Diagnostics Nichols Institute San Juan Capistrano); PubMed 29753700 (cited by Quest Diagnostics Nichols Institute San Juan Capistrano); PubMed 29790872 (cited by Quest Diagnostics Nichols Institute San Juan Capistrano); PubMed 30093976 (cited by Quest Diagnostics Nichols Institute San Juan Capistrano); PubMed 30122538 (cited by Quest Diagnostics Nichols Institute San Juan Capistrano); PubMed 30630528 (cited by Quest Diagnostics Nichols Institute San Juan Capistrano); PubMed 30720243 (cited by Quest Diagnostics Nichols Institute San Juan Capistrano); PubMed 30787465 (cited by Quest Diagnostics Nichols Institute San Juan Capistrano); PubMed 31263054 (cited by Quest Diagnostics Nichols Institute San Juan Capistrano); PubMed 31396961 (cited by Quest Diagnostics Nichols Institute San Juan Capistrano); PubMed 31411802 (cited by Quest Diagnostics Nichols Institute San Juan Capistrano); PubMed 31447099 (cited by Quest Diagnostics Nichols Institute San Juan Capistrano); PubMed 31589614 (cited by Quest Diagnostics Nichols Institute San Juan Capistrano); PubMed 31825140 (cited by Quest Diagnostics Nichols Institute San Juan Capistrano); PubMed 31948886 (cited by Quest Diagnostics Nichols Institute San Juan Capistrano); PubMed 31957001 (cited by Quest Diagnostics Nichols Institute San Juan Capistrano); PubMed 31980526 (cited by Quest Diagnostics Nichols Institute San Juan Capistrano); PubMed 32318955 (cited by Quest Diagnostics Nichols Institute San Juan Capistrano); PubMed 32341426 (cited by Quest Diagnostics Nichols Institute San Juan Capistrano); PubMed 32467295 (cited by Quest Diagnostics Nichols Institute San Juan Capistrano); PubMed 32719484 (cited by Quest Diagnostics Nichols Institute San Juan Capistrano); PubMed 34008015 (cited by Quest Diagnostics Nichols Institute San Juan Capistrano); PubMed 29492181 (cited by Quest Diagnostics Nichols Institute San Juan Capistrano); PubMed 29339979 (cited by Quest Diagnostics Nichols Institute San Juan Capistrano); PubMed 30350268 (cited by Quest Diagnostics Nichols Institute San Juan Capistrano); PubMed 26295337 (cited by Quest Diagnostics Nichols Institute San Juan Capistrano); PubMed 12373604 (cited by Women's Health and Genetics/Laboratory Corporation of America, LabCorp); PubMed 18703817 (cited by Women's Health and Genetics/Laboratory Corporation of America, LabCorp); PubMed 24156927 (cited by Women's Health and Genetics/Laboratory Corporation of America, LabCorp); PubMed 18465347 (cited by Women's Health and Genetics/Laboratory Corporation of America, LabCorp); PubMed 36988593 (cited by Laboratory for Genotyping Development, RIKEN); PubMed 32295079 (cited by CZECANCA consortium); PubMed 16912212 (cited by Counsyl); PubMed 17513806 (cited by Counsyl); PubMed 14647210 (cited by Counsyl); PubMed 22009639 (cited by Counsyl).